The following is an entry in ClinVar:

ClinVar aggregate classification (germline): Pathogenic (1 of 4 stars; one submission).

Conditions:
Thrombocytopenia 1. Also called: THROMBOCYTOPENIA, X-LINKED, 1; X-linked thrombocytopenia with normal platelets; X-Linked Thrombocytopenia (XLT). Identifiers: Orphanet 268322, Orphanet 852, MedGen C1839163, MONDO:0010743, OMIM 313900.
X-linked severe congenital neutropenia (SCNX). Identifiers: Orphanet 86788, MedGen C1845987, MONDO:0010294, OMIM 300299.
Wiskott-Aldrich syndrome (WAS). Also called: Wiskott-aldrich syndrome, somatic; ALDRICH SYNDROME; IMMUNODEFICIENCY 2; WISKOTT-ALDRICH SYNDROME 1. Identifiers: Orphanet 906, MedGen C0043194, MONDO:0010518, OMIM 301000.

Submission:

Labcorp Genetics (formerly Invitae), Labcorp
Classification: Pathogenic for Wiskott-Aldrich syndrome; X-linked severe congenital neutropenia; Thrombocytopenia 1. Last evaluated: 2020-05-30. Review status: criteria provided, single submitter. Criteria: Invitae Variant Classification Sherloc (09022015). Collection method: clinical testing. Allele origin: germline.
Comment: This variant has not been reported in the literature in individuals with WAS-related conditions. Loss-of-function variants in WAS are known to be pathogenic (PMID: 15284122). For these reasons, this variant has been classified as Pathogenic. This variant is not present in population databases (ExAC no frequency). This sequence change creates a premature translational stop signal (p.Trp252Valfs*8) in the WAS gene. It is expected to result in an absent or disrupted protein product.

Literature cited by the submitters: PubMed 15284122.

NM_000377.3(WAS):c.753dup (p.Trp252fs)

Gene: WAS (WASP actin nucleation promoting factor; plus strand). Cytogenetic location: Xp11.23.
Variant type: Duplication.
Coding change: c.753dup on transcript NM_000377.3 (MANE Select); coding-DNA position 753, one base duplicated (G; older notation c.753dupG).
Protein change: p.Trp252fs; shifts the reading frame from tryptophan 252.
Molecular consequence: frameshift variant.
Genome position (GRCh38, 1-based): chrX:48,688,072, G duplicated; the last of 4 consecutive G bases (chrX:48,688,069-48,688,072); duplicating any one gives the same sequence. VCF-style (leftmost placement, unchanged base first): chrX-48688068-T-TG. GRCh37 (hg19) VCF-style: chrX-48546457-T-TG.
Other names: short protein forms W252fs.
Identifiers: ClinVar variation 1073358 (VCV001073358.7), dbSNP rs2147265693, ClinGen allele CA2499226744.